The following is an entry in ClinVar:

ClinVar aggregate classification (germline): Uncertain significance (1 of 4 stars; one submission).

Submission:

Labcorp Genetics (formerly Invitae), Labcorp
Classification: Uncertain significance. Last evaluated: 2022-01-15. Review status: criteria provided, single submitter. Criteria: Invitae Variant Classification Sherloc (09022015). Collection method: clinical testing. Allele origin: germline.
Comment: In summary, the available evidence is currently insufficient to determine the role of this variant in disease. Therefore, it has been classified as a Variant of Uncertain Significance. Variants that disrupt the consensus splice site are a relatively common cause of aberrant splicing (PMID: 17576681, 9536098). Experimental studies and prediction algorithms are not available or were not evaluated, and the effect of this variant on mRNA splicing is currently unknown. This variant has not been reported in the literature in individuals affected with CTU2-related conditions. This variant is not present in population databases (gnomAD no frequency). This sequence change falls in intron 2 of the CTU2 gene. It does not directly change the encoded amino acid sequence of the CTU2 protein. It affects a nucleotide within the consensus splice site.

Literature cited by the submitters: PubMed 17576681; PubMed 9536098.

NM_001012759.3(CTU2):c.143+3G>T

Gene: CTU2 (cytosolic thiouridylase subunit 2; plus strand). Cytogenetic location: 16q24.3.
Variant type: single nucleotide variant.
Coding change: c.143+3G>T on transcript NM_001012759.3 (MANE Select); 3 bases into the intron after coding-DNA position 143, G replaced by T.
Molecular consequence: intron variant.
Genome position (GRCh38, 1-based): chr16:88,707,213, G>T. VCF-style: chr16-88707213-G-T. GRCh37 (hg19) VCF-style: chr16-88773621-G-T.
Other names: c.143+3G>T (NM_001318507.2, NM_001012762.3); c.-40+3G>T (NM_001318513.2).
Identifiers: ClinVar variation 1509109 (VCV001509109.6), dbSNP rs2142700694, ClinGen allele CA2573152838.